The following is an entry in ClinVar:

NM_001127208.3(TET2):c.1031C>G (p.Thr344Arg)

Genes: TET2 (tet methylcytosine dioxygenase 2; plus strand), TET2-AS1 (TET2 antisense RNA 1; minus strand). Cytogenetic location: 4q24.
Variant type: single nucleotide variant.
Coding change: c.1031C>G on transcript NM_001127208.3 (MANE Select); coding-DNA position 1031, C replaced by G.
Protein change: p.Thr344Arg; replaces threonine 344 with arginine.
Molecular consequence: missense variant.
Genome position (GRCh38, 1-based): chr4:105,234,973, C>G. VCF-style: chr4-105234973-C-G. GRCh37 (hg19) VCF-style: chr4-106156130-C-G.
Other names: c.1031C>G, p.Thr344Arg (NM_017628.4); short protein forms T344R.
Identifiers: ClinVar variation 4594205 (VCV004594205.1).

ClinVar aggregate classification (germline): Uncertain significance (1 of 4 stars; one submission).

gnomAD v4.1: 2 of 1,613,940 alleles (0.00012%); highest among the groups gnomAD compares: Non-Finnish European, 0.00017%; no homozygotes.

Submission:

Ambry Genetics
Classification: Uncertain significance. Last evaluated: 2025-11-16. Review status: criteria provided, single submitter. Criteria: Ambry Variant Classification Scheme 2023. Collection method: clinical testing. Allele origin: germline.
Comment: The p.T344R variant (also known as c.1031C>G), located in coding exon 1 of the TET2 gene, results from a C to G substitution at nucleotide position 1031. The threonine at codon 344 is replaced by arginine, an amino acid with similar properties. This amino acid position is conserved. In addition, this alteration is predicted to be tolerated by in silico analysis. Based on the available evidence, the clinical significance of this variant remains unclear.